The following is an entry in ClinVar:

ClinVar aggregate classification (germline): Conflicting classifications of pathogenicity. Review status: criteria provided, conflicting classifications (1 of 4 stars). 10 submissions from 10 submitters: Uncertain significance (5); Benign (1); Likely benign (4). Last evaluated 2026-01-27.

Conditions:
Cardiovascular phenotype. Identifiers: MedGen CN230736.
Long QT syndrome (LQTS). Identifiers: MedGen C0023976, MeSH D008133, MONDO:0002442. Disease mechanism: loss of function. Inheritance: Various modes of inheritance.
Timothy syndrome (TS). Also called: LONG QT SYNDROME WITH SYNDACTYLY. Identifiers: Orphanet 65283, MedGen C1832916, MeSH C536962, MONDO:0010979, OMIM 601005.

Allele frequency attached by ClinVar (database versions not stated): TOPMed 0.00008; gnomAD 0.00013 and 0.00014; ExAC 0.00015; gnomAD exomes 0.00015.
gnomAD v4.1: 226 of 1,606,346 alleles (0.014%); highest among the groups gnomAD compares: Non-Finnish European, 0.018%; no homozygotes.

Submissions (10):

Labcorp Genetics (formerly Invitae), Labcorp
Classification: Likely benign for Long QT syndrome. Last evaluated: 2026-01-27. Review status: criteria provided, single submitter. Criteria: Invitae Variant Classification Sherloc (09022015). Collection method: clinical testing. Allele origin: germline.

Molecular Diagnostic Laboratory for Inherited Cardiovascular Disease, Montreal Heart Institute
Classification: Uncertain significance for Cardiovascular phenotype. Last evaluated: 2025-04-09. Review status: criteria provided, single submitter. Criteria: ACMG Guidelines, 2015. Collection method: clinical testing. Allele origin: germline. Affected: yes.

CeGaT Center for Human Genetics Tuebingen
Classification: Uncertain significance. Last evaluated: 2025-03-01. Review status: criteria provided, single submitter. Criteria: CeGaT Center For Human Genetics Tuebingen Variant Classification Criteria Version 2. Collection method: clinical testing. Allele origin: germline. Affected: yes. Observed: 2 variant alleles.
Comment: CACNA1C: PP2, BP5

Laboratory of Genetics, Children's Clinical University Hospital Latvia
Classification: Likely benign. Last evaluated: 2025-02-16. Review status: criteria provided, single submitter. Criteria: ACMG Guidelines, 2015. Collection method: clinical testing. Allele origin: germline. Affected: yes.

Blueprint Genetics
Classification: Likely benign. Last evaluated: 2024-11-04. Review status: criteria provided, single submitter. Criteria: ACMG Guidelines, 2015. Collection method: clinical testing. Allele origin: germline.

GeneDx
Classification: Uncertain significance. Last evaluated: 2024-02-06. Review status: criteria provided, single submitter. Criteria: GeneDx Variant Classification Process June 2021. Collection method: clinical testing. Allele origin: germline. Affected: yes.
Comment: In silico analysis supports that this missense variant has a deleterious effect on protein structure/function; Reported in association with LQTS, arrhythmia, primary electric disease (PED), and HCM in published literature; at least one patient harbored additional cardiogenetic variants (PMID: 28341588, 23631430, 27231019, 31293105); This variant is associated with the following publications: (PMID: 23631430, 27231019, 31737537, 31293105, 35882527, 28341588)

Ambry Genetics
Classification: Benign for Cardiovascular phenotype. Last evaluated: 2021-12-13. Review status: criteria provided, single submitter. Criteria: Ambry Variant Classification Scheme 2023. Collection method: clinical testing. Allele origin: germline.

MVZ Martinsried, Medicover Genetics
Classification: Uncertain significance for Timothy syndrome. Last evaluated: 2018-01-31. Review status: criteria provided, single submitter. Criteria: ACMG Guidelines, 2015. Collection method: clinical testing. Allele origin: unknown. Affected: yes.

Women's Health and Genetics/Laboratory Corporation of America, LabCorp
Classification: Likely benign. Last evaluated: 2017-11-06. Review status: criteria provided, single submitter. Criteria: LabCorp Variant Classification Summary - May 2015. Collection method: clinical testing. Allele origin: germline.
Comment: Variant summary: The CACNA1C c.202G>A (p.Ala68Thr) variant involves the alteration of a conserved nucleotide and 2/3 in silico tools predict a benign outcome for this variant (SNPsandGO and MutationTaster not captured here due to low reliability index and p-value, respectively). This variant was found in 41/261782 control chromosomes at a frequency of 0.0001566, predominantly observed in the European (Non-Finnish) subpopulation at a frequency of 0.000309 (37/119594). This frequency is about 31 times the estimated maximal expected allele frequency of a pathogenic CACNA1C variant (0.00001), suggesting this is likely a benign polymorphism found primarily in the populations of European (Non-Finnish) origin. This variant has been reported in multiple affected individuals without strong evidence for casualty. In addition, multiple clinical diagnostic laboratories/reputable databases classified this variant as uncertain significance, without evidence for independent evaluation. Taken together, this variant is classified as likely benign.

Centre for Mendelian Genomics, University Medical Centre Ljubljana
Classification: Uncertain significance for Timothy syndrome. Last evaluated: 2016-01-01. Review status: criteria provided, single submitter. Criteria: ACMG Guidelines, 2015. Collection method: clinical testing. Allele origin: unknown. Affected: yes.
Comment: This variant was classified as: Uncertain significance. The following ACMG criteria were applied in classifying this variant: PP3,PP4.

Literature cited by the submitters: PubMed 23631430 (cited by Ambry Genetics and Women's Health and Genetics/Laboratory Corporation of America, LabCorp); PubMed 27231019 (cited by Ambry Genetics and Women's Health and Genetics/Laboratory Corporation of America, LabCorp); PubMed 28341588 (cited by Ambry Genetics); PubMed 31293105 (cited by Ambry Genetics); PubMed 31737537 (cited by Ambry Genetics).

NM_000719.7(CACNA1C):c.202G>A (p.Ala68Thr)

Gene: CACNA1C (calcium voltage-gated channel subunit alpha1 C; plus strand). Cytogenetic location: 12p13.33.
Variant type: single nucleotide variant.
Coding change: c.202G>A on transcript NM_000719.7 (MANE Select); coding-DNA position 202, G replaced by A.
Protein change: p.Ala68Thr; replaces alanine 68 with threonine.
Molecular consequence: missense variant.
Genome position (GRCh38, 1-based): chr12:2,115,376, G>A. VCF-style: chr12-2115376-G-A. GRCh37 (hg19) VCF-style: chr12-2224542-G-A.
Other names: p.A68T:GCT>ACT; c.202G>A, p.Ala68Thr (NM_001129827.2, NM_001129829.2, NM_001129830.3 and 19 more transcripts); short protein forms A68T.
Identifiers: ClinVar variation 190709 (VCV000190709.65), dbSNP rs752000790, ClinGen allele CA301799.